The following is an entry in ClinVar:

NM_005422.4(TECTA):c.4932C>A (p.Ser1644Arg)

Genes: TECTA (tectorin alpha; plus strand), TBCEL-TECTA (TBCEL-TECTA readthrough; plus strand). Cytogenetic location: 11q23.3.
Variant type: single nucleotide variant.
Coding change: c.4932C>A on transcript NM_005422.4 (MANE Select); coding-DNA position 4932, C replaced by A.
Protein change: p.Ser1644Arg; replaces serine 1644 with arginine.
Molecular consequence: missense variant.
Genome position (GRCh38, 1-based): chr11:121,160,377, C>A. VCF-style: chr11-121160377-C-A. GRCh37 (hg19) VCF-style: chr11-121031086-C-A.
Other names: c.5889C>A, p.Ser1963Arg (NM_001378761.1); short protein forms S1963R, S1644R.
Identifiers: ClinVar variation 932015 (VCV000932015.3), dbSNP rs201375747, ClinGen allele CA383029802.

ClinVar aggregate classification (germline): Uncertain significance (1 of 4 stars; one submission).

Conditions:
Autosomal dominant nonsyndromic hearing loss 12. Also called: DEAFNESS, AUTOSOMAL DOMINANT 8. Identifiers: Orphanet 90635, MedGen C1832187, MONDO:0011102, OMIM 601543.

Allele frequency attached by ClinVar (database versions not stated): TOPMed 0.00001.
gnomAD v4.1: 7 of 1,613,204 alleles (0.00043%); highest among the groups gnomAD compares: Non-Finnish European, 0.00025%; no homozygotes.

Submission:

Centre for Mendelian Genomics, University Medical Centre Ljubljana
Classification: Uncertain significance for Autosomal dominant nonsyndromic hearing loss 12. Last evaluated: 2019-03-24. Review status: criteria provided, single submitter. Criteria: ACMG Guidelines, 2015. Collection method: clinical testing. Allele origin: unknown. Affected: yes.
Comment: This variant was classified as: Uncertain significance. The available evidence on this variant's pathogenicity is insufficient or conflicting. The following ACMG criteria were applied in classifying this variant: PM2.